The following is an entry in ClinVar:

NM_006922.4(SCN3A):c.1900A>T (p.Met634Leu)

Gene: SCN3A (sodium voltage-gated channel alpha subunit 3; minus strand). Cytogenetic location: 2q24.3.
Variant type: single nucleotide variant.
Coding change: c.1900A>T on transcript NM_006922.4 (MANE Select); coding-DNA position 1900, A replaced by T.
Protein change: p.Met634Leu; replaces methionine 634 with leucine.
Molecular consequence: missense variant. On other transcripts: intron variant (2).
Genome position (GRCh38, 1-based): chr2:165,140,770, T>A on the plus strand (A>T on the coding strand, the complement: SCN3A is on the minus strand). VCF-style: chr2-165140770-T-A. GRCh37 (hg19) VCF-style: chr2-165997280-T-A.
Other names: c.1872+28A>T (NM_001081676.2, NM_001081677.2); short protein forms M634L.
Identifiers: ClinVar variation 1024249 (VCV001024249.8), dbSNP rs1687962497, ClinGen allele CA349046347.

ClinVar aggregate classification (germline): Uncertain significance (1 of 4 stars; one submission).

Allele frequency attached by ClinVar (database versions not stated): TOPMed below 0.00001.

Submission:

Labcorp Genetics (formerly Invitae), Labcorp
Classification: Uncertain significance. Last evaluated: 2024-08-31. Review status: criteria provided, single submitter. Criteria: Invitae Variant Classification Sherloc (09022015). Collection method: clinical testing. Allele origin: germline.
Comment: This sequence change replaces methionine, which is neutral and non-polar, with leucine, which is neutral and non-polar, at codon 634 of the SCN3A protein (p.Met634Leu). This variant is not present in population databases (gnomAD no frequency). This variant has not been reported in the literature in individuals affected with SCN3A-related conditions. ClinVar contains an entry for this variant (Variation ID: 1024249). Invitae Evidence Modeling of protein sequence and biophysical properties (such as structural, functional, and spatial information, amino acid conservation, physicochemical variation, residue mobility, and thermodynamic stability) indicates that this missense variant is not expected to disrupt SCN3A protein function with a negative predictive value of 95%. Algorithms developed to predict the effect of sequence changes on RNA splicing suggest that this variant may create or strengthen a splice site. In summary, the available evidence is currently insufficient to determine the role of this variant in disease. Therefore, it has been classified as a Variant of Uncertain Significance.